The following is an entry in ClinVar:

NM_001364905.1(LRBA):c.4297del (p.Ser1433fs)

Gene: LRBA (LPS responsive beige-like anchor protein; minus strand). Cytogenetic location: 4q31.3.
Variant type: Deletion.
Coding change: c.4297del on transcript NM_001364905.1 (MANE Select); coding-DNA position 4297, one base deleted (A; older notation c.4297delA).
Protein change: p.Ser1433fs; shifts the reading frame from serine 1433.
Molecular consequence: frameshift variant.
Genome position (GRCh38, 1-based): chr4:150,848,860, T deleted on the plus strand (A on the coding strand, the reverse complement: LRBA is on the minus strand); the first of 6 consecutive T bases (chr4:150,848,860-150,848,865); deleting any one gives the same sequence. VCF-style (leftmost placement, unchanged base first): chr4-150848859-CT-C. GRCh37 (hg19) VCF-style: chr4-151770011-CT-C.
Other names: c.4292delA, p.Ser1433Valfs (NM_001199282.3, NM_006726.5); c.4297del, p.Ser1433fs (NM_001367550.1); c.4297delA (NM_001364905.1); short protein forms S1433fs.
Identifiers: ClinVar variation 4071542 (VCV004071542.1).

ClinVar aggregate classification (germline): Likely pathogenic (1 of 4 stars; one submission).

Conditions:
Combined immunodeficiency due to LRBA deficiency. Also called: Common variable immunodeficiency 8, with autoimmunity. Identifiers: Orphanet 445018, MedGen C3553512, MONDO:0013863, OMIM 614700.

Submission:

Next Generation Genetic Polyclinic
Classification: Likely pathogenic for Combined immunodeficiency due to LRBA deficiency. Last evaluated: 2025-05-02. Review status: criteria provided, single submitter. Criteria: ACMG Guidelines, 2015. Collection method: curation. Allele origin: germline. Affected: yes. Observed: 1 variant allele.
Comment: Likely pathogenic deletion variant in the LRBA gene (NM_001364905.1:c.4297delA), identified through curation. This germline, homozygous alteration follows autosomal recessive inheritance and represents a novel variant not observed in major population databases (PM2). The single-nucleotide deletion introduces a frameshift predicted to significantly disrupt protein function, with damaging impact supported by computational evidence (PP3). No previous reports are available in ClinVar or the literature. Classification supported by ACMG criteria: PM2, PP3, PP4 (if clinical presentation aligns with LRBA deficiency phenotype).